The following is an entry in ClinVar:

NM_001134407.3(GRIN2A):c.3362A>G (p.Asp1121Gly)

Gene: GRIN2A (glutamate ionotropic receptor NMDA type subunit 2A; minus strand). Cytogenetic location: 16p13.2.
Variant type: single nucleotide variant.
Coding change: c.3362A>G on transcript NM_001134407.3 (MANE Select); coding-DNA position 3362, A replaced by G.
Protein change: p.Asp1121Gly; replaces aspartic acid 1121 with glycine.
Molecular consequence: missense variant.
Genome position (GRCh38, 1-based): chr16:9,764,182, T>C on the plus strand (A>G on the coding strand, the complement: GRIN2A is on the minus strand). VCF-style: chr16-9764182-T-C. GRCh37 (hg19) VCF-style: chr16-9858039-T-C.
Other names: c.3362A>G, p.Asp1121Gly (NM_000833.5, NM_001134408.2); short protein forms D1121G.
Identifiers: ClinVar variation 1730622 (VCV001730622.2), dbSNP rs754074897, ClinGen allele CA7896330.

ClinVar aggregate classification (germline): Uncertain significance (1 of 4 stars; one submission).

Conditions:
Inborn genetic diseases. Identifiers: MedGen C0950123, MeSH D030342.

Allele frequency attached by ClinVar (database versions not stated): gnomAD exomes below 0.00001; ExAC 0.00001.
gnomAD v4.1: 2 of 1,613,704 alleles (0.00012%); highest among the groups gnomAD compares: Non-Finnish European, 0.00017%; no homozygotes.

Submission:

Ambry Genetics
Classification: Uncertain significance for Inborn genetic diseases. Last evaluated: 2019-04-13. Review status: criteria provided, single submitter. Criteria: Ambry Variant Classification Scheme 2023. Collection method: clinical testing. Allele origin: germline.
Comment: The p.D1121G variant (also known as c.3362A>G), located in coding exon 12 of the GRIN2A gene, results from an A to G substitution at nucleotide position 3362. The aspartic acid at codon 1121 is replaced by glycine, an amino acid with similar properties. This amino acid position is highly conserved in available vertebrate species. In addition, this alteration is predicted to be tolerated by in silico analysis. Since supporting evidence is limited at this time, the clinical significance of this alteration remains unclear.